The following is an entry in ClinVar:

NM_001372.4(DNAH9):c.1846_1847inv (p.Glu616Ser)

Gene: DNAH9 (dynein axonemal heavy chain 9; plus strand). Cytogenetic location: 17p12.
Variant type: Inversion.
Coding change: c.1846_1847inv on transcript NM_001372.4 (MANE Select).
Protein change: p.Glu616Ser; replaces glutamic acid 616 with serine.
Molecular consequence: missense variant.
Genome position: GRCh38 VCF-style: chr17-11640329-GA-TC. GRCh37 (hg19) VCF-style: chr17-11543646-GA-TC.
Other names: short protein forms E616S.
Identifiers: ClinVar variation 1351853 (VCV001351853.6), ClinGen allele CA2573153030.

ClinVar aggregate classification (germline): Uncertain significance (1 of 4 stars; one submission).

Submission:

Labcorp Genetics (formerly Invitae), Labcorp
Classification: Uncertain significance. Last evaluated: 2021-05-06. Review status: criteria provided, single submitter. Criteria: Invitae Variant Classification Sherloc (09022015). Collection method: clinical testing. Allele origin: germline.
Comment: In summary, the available evidence is currently insufficient to determine the role of this variant in disease. Therefore, it has been classified as a Variant of Uncertain Significance. Algorithms developed to predict the effect of sequence changes on RNA splicing suggest that this variant may create or strengthen a splice site, but this prediction has not been confirmed by published transcriptional studies. Algorithms developed to predict the effect of missense changes on protein structure and function are either unavailable or do not agree on the potential impact of this missense change (SIFT: "Not Available"; PolyPhen-2: "Benign"; Align-GVGD: "Not Available"). This variant has not been reported in the literature in individuals with DNAH9-related conditions. The frequency data for this variant in the population databases is not available, as this variant may be reported as separate entries in the ExAC database. This sequence change replaces glutamic acid with serine at codon 616 of the DNAH9 protein (p.Glu616Ser). The glutamic acid residue is weakly conserved and there is a moderate physicochemical difference between glutamic acid and serine.